The following is an entry in ClinVar:

NM_001164508.2(NEB):c.21484C>T (p.His7162Tyr)

Genes: NEB (nebulin; minus strand), RIF1 (replication timing regulatory factor 1; plus strand). Cytogenetic location: 2q23.3.
Variant type: single nucleotide variant.
Coding change: c.21484C>T on transcript NM_001164508.2 (MANE Select); coding-DNA position 21484, C replaced by T.
Protein change: p.His7162Tyr; replaces histidine 7162 with tyrosine.
Molecular consequence: missense variant.
Genome position (GRCh38, 1-based): chr2:151,531,830, G>A on the plus strand (C>T on the coding strand, the complement: NEB is on the minus strand). VCF-style: chr2-151531830-G-A. GRCh37 (hg19) VCF-style: chr2-152388344-G-A.
Other names: c.21484C>T, p.His7162Tyr (NM_001164507.2); c.21589C>T, p.His7197Tyr (NM_001271208.2); c.16381C>T, p.His5461Tyr (NM_004543.5); short protein forms H7162Y, H5461Y, H7197Y.
Identifiers: ClinVar variation 2051266 (VCV002051266.4), dbSNP rs2552140168, ClinGen allele CA348770501.

ClinVar aggregate classification (germline): Uncertain significance (1 of 4 stars; one submission).

Conditions:
Nemaline myopathy 2 (NEM2). Also called: Nemaline myopathy 2, autosomal recessive. Identifiers: MedGen C1850569, MONDO:0009725, OMIM 256030.

Submission:

Labcorp Genetics (formerly Invitae), Labcorp
Classification: Uncertain significance for Nemaline myopathy 2. Last evaluated: 2021-12-21. Review status: criteria provided, single submitter. Criteria: Invitae Variant Classification Sherloc (09022015). Collection method: clinical testing. Allele origin: germline.
Comment: Algorithms developed to predict the effect of missense changes on protein structure and function are either unavailable or do not agree on the potential impact of this missense change (SIFT: "Deleterious"; PolyPhen-2: "Not Available"; Align-GVGD: "Class C0"). This variant has not been reported in the literature in individuals affected with NEB-related conditions. This variant is not present in population databases (gnomAD no frequency). This sequence change replaces histidine, which is basic and polar, with tyrosine, which is neutral and polar, at codon 7197 of the NEB protein (p.His7197Tyr). In summary, the available evidence is currently insufficient to determine the role of this variant in disease. Therefore, it has been classified as a Variant of Uncertain Significance.